The following is an entry in ClinVar:

ClinVar aggregate classification (germline): Uncertain significance (1 of 4 stars; one submission).

Conditions:
Neurodevelopmental disorder with behavioral abnormalities, absent speech, and hypotonia. Identifiers: MedGen C5231471, MONDO:0032878, OMIM 618718.

Submission:

Institute of Human Genetics, University of Leipzig Medical Center
Classification: Uncertain significance for Neurodevelopmental disorder with behavioral abnormalities, absent speech, and hypotonia. Last evaluated: 2025-03-20. Review status: criteria provided, single submitter. Criteria: ACMG Guidelines, 2015. Collection method: clinical testing. Allele origin: unknown. Inheritance: Autosomal recessive inheritance. Affected: yes.
Comment: Criteria applied: PM2,PM3_SUP,PP2,PP3

NM_032536.4(NTNG2):c.914G>A (p.Cys305Tyr)

Gene: NTNG2 (netrin G2; plus strand). Cytogenetic location: 9q34.13.
Variant type: single nucleotide variant.
Coding change: c.914G>A on transcript NM_032536.4 (MANE Select); coding-DNA position 914, G replaced by A.
Protein change: p.Cys305Tyr; replaces cysteine 305 with tyrosine.
Molecular consequence: missense variant.
Genome position (GRCh38, 1-based): chr9:132,226,905, G>A. VCF-style: chr9-132226905-G-A. GRCh37 (hg19) VCF-style: chr9-135102292-G-A.
Other names: short protein forms C305Y.
Identifiers: ClinVar variation 3778750 (VCV003778750.1).